The following is an entry in ClinVar:

ClinVar aggregate classification (germline): Uncertain significance (1 of 4 stars; one submission).

Conditions:
Brugada syndrome. Also called: Sudden unexpected nocturnal death syndrome; Sudden Unexplained Death Syndrome; Sudden Unexplained Nocturnal Death Syndrome (SUNDS); Sudden unexplained nocturnal death syndrome. Identifiers: Orphanet 130, MedGen C1142166, MONDO:0015263.

Allele frequency attached by ClinVar (database versions not stated): gnomAD 0.00001.
gnomAD v4.1: 7 of 1,610,616 alleles (0.00043%); highest among the groups gnomAD compares: African/African-American, 0.0013%; no homozygotes.

Submission:

Labcorp Genetics (formerly Invitae), Labcorp
Classification: Uncertain significance for Brugada syndrome. Last evaluated: 2020-01-15. Review status: criteria provided, single submitter. Criteria: Invitae Variant Classification Sherloc (09022015). Collection method: clinical testing. Allele origin: germline.
Comment: This variant is not present in population databases (ExAC no frequency). This sequence change replaces glycine with serine at codon 176 of the GPD1L protein (p.Gly176Ser). The glycine residue is highly conserved and there is a small physicochemical difference between glycine and serine. This variant has not been reported in the literature in individuals with GPD1L-related conditions. Algorithms developed to predict the effect of missense changes on protein structure and function are either unavailable or do not agree on the potential impact of this missense change (SIFT: "Tolerated"; PolyPhen-2: "Probably Damaging"; Align-GVGD: "Class C0"). In summary, the available evidence is currently insufficient to determine the role of this variant in disease. Therefore, it has been classified as a Variant of Uncertain Significance.

NM_015141.4(GPD1L):c.526G>A (p.Gly176Ser)

Gene: GPD1L (glycerol-3-phosphate dehydrogenase 1 like; plus strand). Cytogenetic location: 3p22.3.
Variant type: single nucleotide variant.
Coding change: c.526G>A on transcript NM_015141.4 (MANE Select); coding-DNA position 526, G replaced by A.
Protein change: p.Gly176Ser; replaces glycine 176 with serine.
Molecular consequence: missense variant.
Genome position (GRCh38, 1-based): chr3:32,146,642, G>A. VCF-style: chr3-32146642-G-A. GRCh37 (hg19) VCF-style: chr3-32188134-G-A.
Other names: short protein forms G176S.
Identifiers: ClinVar variation 968464 (VCV000968464.6), dbSNP rs1443878552, ClinGen allele CA351967349.